The following continues an entry in ClinVar:

NM_002528.7(NTHL1):c.835C>T (p.Gln279Ter)

Gene: NTHL1. ClinVar aggregate classification (germline): Pathogenic/Likely pathogenic. Pathogenic (6); Likely pathogenic (6).

Submissions 11 to 12 of 12:

Sema4
Classification: Likely pathogenic for Hereditary cancer-predisposing syndrome. Last evaluated: 2022-01-19. Review status: criteria provided, single submitter. Criteria: Sema4 Curation Guidelines. Collection method: curation. Allele origin: germline.
Comment: The NTHL1 c.859C>T (p.Q287X) has been reported as compound heterozygous in at least 3 individuals with colorectal cancer and/or multiple adenomatous polyps (PMID: 30753826, 27329137, 27713038). This variant has also been reported in at least ten individuals with breast and/or ovarian cancer (PMID: 28912133, 31263571, 33980861). Functional studies have shown that this variant reduced DNA glycosylase activity compared to wild-type NTHL1 (PMID: 30552997). It is also known as Q279X in the literature. As this variant is not predicted to cause nonsense-mediated decay, the protein product is expected to be truncated. This variant was observed in 13/24718 chromosomes of the African/African American subpopulation in the Genome Aggregation Database (PMID: 32461654) and has been reported in ClinVar (Variation ID: 620182). Based on the current evidence available, this variant is interpreted as likely pathogenic.

Genetics and Molecular Pathology, SA Pathology
Classification: Likely pathogenic for Familial adenomatous polyposis 3. Last evaluated: 2022-01-05. Review status: criteria provided, single submitter. Criteria: ACMG Guidelines, 2015. Collection method: clinical testing. Allele origin: germline. Inheritance: Autosomal recessive inheritance. Affected: yes.
Comment: The heterozygous variant c.859C>T was detected in exon 6 (last exon) of the NTHL1 gene. This variant results in a premature stop codon, p.(Gln287*), which is predicted to disrupt the last 26 amino acid resides of the NTHL1 protein. This variant is recorded in ClinVar as likely pathogenic (twice) and uncertain significance (once). This variant was reported to co-occur with other truncating NTHL1 variants (p.(Gln90*) phase unknown and p.(Trp269*) in trans) in individuals with colorectal cancer and multiple adenomatous polyps, respectively (Chubb et al, Nat Commun (2016) 7:11883 and Grolleman et al, Cancer Cell (2019) 35(2):256-266.e5). In an individual with breast cancer who carries this variant, the tumour showed loss of heterozygosity (Drost et al, Science (2017) 358(6360):234-238). Functional studies show that this variant leads to reduced DNA glycosylase activity compared to wild-type protein (Shinmura et al, Free Radic Biol Med (2019) 131:264-273). This variant is observed at allele frequencies up to 0.053% in population databases (ESP and gnomAD). Based on current knowledge, this is considered a pathogenic (Class 5) variant.

Literature cited by the submitters: PubMed 27329137 (cited by 7 submitters); PubMed 28912133 (cited by 6 submitters); PubMed 30753826 (cited by 6 submitters); PubMed 30552997 (cited by 7 submitters); PubMed 27713038 (cited by 4 submitters); PubMed 35967160 (cited by Dasa); PubMed 36196035 (cited by Dasa); PubMed 33980861 (cited by Quest Diagnostics Nichols Institute San Juan Capistrano and Sema4); PubMed 32860789 (cited by Quest Diagnostics Nichols Institute San Juan Capistrano); PubMed 29641532 (cited by Quest Diagnostics Nichols Institute San Juan Capistrano); PubMed 31263571 (cited by Quest Diagnostics Nichols Institute San Juan Capistrano and Sema4); PubMed 12840008 (cited by Ambry Genetics); PubMed 26553438 (cited by Ambry Genetics); PubMed 31220976 (cited by Ambry Genetics); PubMed 33087284 (cited by Ambry Genetics).